The following is an entry in ClinVar:

ClinVar aggregate classification (germline): Uncertain significance (1 of 4 stars; one submission).

Submission:

Labcorp Genetics (formerly Invitae), Labcorp
Classification: Uncertain significance. Last evaluated: 2025-09-02. Review status: criteria provided, single submitter. Criteria: Invitae Variant Classification Sherloc (09022015). Collection method: clinical testing. Allele origin: germline.
Comment: This sequence change replaces glutamine, which is neutral and polar, with histidine, which is basic and polar, at codon 3145 of the CDH23 protein (p.Gln3145His). This variant is not present in population databases (gnomAD no frequency). This variant has not been reported in the literature in individuals affected with CDH23-related conditions. Invitae Evidence Modeling of protein sequence and biophysical properties (such as structural, functional, and spatial information, amino acid conservation, physicochemical variation, residue mobility, and thermodynamic stability) has been performed for this missense variant. However, the output from this modeling did not meet the statistical confidence thresholds required to predict the impact of this variant on CDH23 protein function. In summary, the available evidence is currently insufficient to determine the role of this variant in disease. Therefore, it has been classified as a Variant of Uncertain Significance.

NM_022124.6(CDH23):c.9435G>C (p.Gln3145His)

Gene: CDH23 (cadherin related 23; plus strand). Cytogenetic location: 10q22.1.
Variant type: single nucleotide variant.
Coding change: c.9435G>C on transcript NM_022124.6 (MANE Select); coding-DNA position 9435, G replaced by C.
Protein change: p.Gln3145His; replaces glutamine 3145 with histidine.
Molecular consequence: missense variant.
Genome position (GRCh38, 1-based): chr10:71,812,534, G>C. VCF-style: chr10-71812534-G-C. GRCh37 (hg19) VCF-style: chr10-73572291-G-C.
Other names: c.2715G>C, p.Gln905His (NM_001171933.1, NM_001171934.1); c.126G>C, p.Gln42His (NM_001171935.1, NM_001171936.1); short protein forms Q42H, Q3145H, Q905H.
Identifiers: ClinVar variation 4738881 (VCV004738881.1).